The following is an entry in ClinVar:

NM_017617.5(NOTCH1):c.7209G>C (p.Gln2403His)

Gene: NOTCH1 (notch receptor 1; minus strand). Cytogenetic location: 9q34.3.
Variant type: single nucleotide variant.
Coding change: c.7209G>C on transcript NM_017617.5 (MANE Select); coding-DNA position 7209, G replaced by C.
Protein change: p.Gln2403His; replaces glutamine 2403 with histidine.
Molecular consequence: missense variant.
Genome position (GRCh38, 1-based): chr9:136,496,530, C>G on the plus strand (G>C on the coding strand, the complement: NOTCH1 is on the minus strand). VCF-style: chr9-136496530-C-G. GRCh37 (hg19) VCF-style: chr9-139390982-C-G.
Other names: c.7209G>C, p.Gln2403His (LRG_1122t1); short protein forms Q2403H.
Identifiers: ClinVar variation 626572 (VCV000626572.15), dbSNP rs61751486, ClinGen allele CA375627666.

ClinVar aggregate classification (germline): Uncertain significance. Review status: criteria provided, multiple submitters, no conflicts (2 of 4 stars). 5 submissions from 4 submitters: Uncertain significance (5). Last evaluated 2024-06-10.

Conditions:
Adams-Oliver syndrome 5 (AOS5). Identifiers: Orphanet 974, MedGen C4014970, MONDO:0014459, OMIM 616028.
Aortic valve disease 1 (AOVD1). Identifiers: MedGen C3887892, MONDO:0024523, OMIM 109730.
Familial thoracic aortic aneurysm and aortic dissection (TAAD). Also called: Thoracic aortic aneurysms and dissections. Identifiers: Orphanet 91387, MedGen C4707243, MONDO:0019625.

gnomAD v4.1: 35 of 1,606,702 alleles (0.0022%); highest among the groups gnomAD compares: Non-Finnish European, 0.0028%; no homozygotes.

Submissions (5):

Labcorp Genetics (formerly Invitae), Labcorp
Classification: Uncertain significance for Adams-Oliver syndrome 5. Last evaluated: 2024-06-10. Review status: criteria provided, single submitter. Criteria: Invitae Variant Classification Sherloc (09022015). Collection method: clinical testing. Allele origin: germline.
Comment: This sequence change replaces glutamine, which is neutral and polar, with histidine, which is basic and polar, at codon 2403 of the NOTCH1 protein (p.Gln2403His). This variant is present in population databases (no rsID available, gnomAD 0.002%). This variant has not been reported in the literature in individuals affected with NOTCH1-related conditions. ClinVar contains an entry for this variant (Variation ID: 626572). Advanced modeling of protein sequence and biophysical properties (such as structural, functional, and spatial information, amino acid conservation, physicochemical variation, residue mobility, and thermodynamic stability) performed at Invitae indicates that this missense variant is not expected to disrupt NOTCH1 protein function with a negative predictive value of 80%. In summary, the available evidence is currently insufficient to determine the role of this variant in disease. Therefore, it has been classified as a Variant of Uncertain Significance.

GeneDx
Classification: Uncertain significance. Last evaluated: 2022-07-29. Review status: criteria provided, single submitter. Criteria: GeneDx Variant Classification Process June 2021. Collection method: clinical testing. Allele origin: germline. Affected: yes.
Comment: Has not been previously published as pathogenic or benign to our knowledge; In silico analysis supports that this missense variant does not alter protein structure/function; Not observed at significant frequency in large population cohorts (gnomAD); This variant is associated with the following publications: (PMID: 26582918)

Genome-Nilou Lab
Classification: Uncertain significance for Aortic valve disease 1. Last evaluated: 2022-03-15. Review status: criteria provided, single submitter. Criteria: ACMG Guidelines, 2015. Collection method: clinical testing. Allele origin: germline. Affected: no.

Genome-Nilou Lab
Classification: Uncertain significance for Adams-Oliver syndrome 5. Last evaluated: 2022-03-15. Review status: criteria provided, single submitter. Criteria: ACMG Guidelines, 2015. Collection method: clinical testing. Allele origin: germline. Affected: no.

CHEO Genetics Diagnostic Laboratory, Children's Hospital of Eastern Ontario
Classification: Uncertain significance for Familial thoracic aortic aneurysm and aortic dissection. Last evaluated: 2017-02-13. Review status: criteria provided, single submitter. Criteria: ACMG Guidelines, 2015. Collection method: clinical testing. Allele origin: germline. Study: Canadian Open Genetics Repository.